The following is an entry in ClinVar:

ClinVar aggregate classification (germline): Uncertain significance (1 of 4 stars; one submission).

Conditions:
Familial adenomatous polyposis 1 (FAP1). Also called: FAMILIAL ADENOMATOUS POLYPOSIS 1, ATTENUATED; POLYPOSIS, ADENOMATOUS INTESTINAL. Identifiers: MedGen C2713442, MONDO:0021056, OMIM 175100. Disease mechanism: loss of function.

Submission:

Labcorp Genetics (formerly Invitae), Labcorp
Classification: Uncertain significance for Familial adenomatous polyposis 1. Last evaluated: 2023-01-20. Review status: criteria provided, single submitter. Criteria: Invitae Variant Classification Sherloc (09022015). Collection method: clinical testing. Allele origin: germline.
Comment: In summary, the available evidence is currently insufficient to determine the role of this variant in disease. Therefore, it has been classified as a Variant of Uncertain Significance. Variants that disrupt the consensus splice site are a relatively common cause of aberrant splicing (PMID: 17576681, 9536098). Algorithms developed to predict the effect of sequence changes on RNA splicing suggest that this variant may disrupt the consensus splice site. This variant has not been reported in the literature in individuals affected with APC-related conditions. This variant is not present in population databases (gnomAD no frequency). This sequence change falls in intron 5 of the APC gene. It does not directly change the encoded amino acid sequence of the APC protein. It affects a nucleotide within the consensus splice site.

Literature cited by the submitters: PubMed 17576681; PubMed 9536098.

NM_000038.6(APC):c.531+4A>C

Gene: APC (APC regulator of Wnt signaling pathway; plus strand). Cytogenetic location: 5q22.2.
Variant type: single nucleotide variant.
Coding change: c.531+4A>C on transcript NM_000038.6 (MANE Select); 4 bases into the intron after coding-DNA position 531, A replaced by C.
Molecular consequence: intron variant.
Genome position (GRCh38, 1-based): chr5:112,775,741, A>C. VCF-style: chr5-112775741-A-C. GRCh37 (hg19) VCF-style: chr5-112111438-A-C.
Other names: c.-505+4A>C (NM_001407470.1, NM_001407472.1, NM_001354906.2 and 1 more transcripts); c.531+4A>C (NM_001407447.1, NM_001354895.2, NM_001407456.1 and 16 more transcripts); c.561+4A>C (NM_001407446.1, NM_001354897.2, NM_001354902.2 and 1 more transcripts); c.354+4A>C (NM_001407453.1, NM_001354900.2, NM_001354901.2 and 1 more transcripts); c.456+4A>C (NM_001407451.1, NM_001354898.2, NM_001354904.2).
Identifiers: ClinVar variation 2830383 (VCV002830383.3), dbSNP rs2149616393, ClinGen allele CA2739274969.
Genomic context (GRCh38, chr5:112,775,741, plus strand): 5'-TACGCTCAACTTCAGAATCTCACTAAAAGAATAGATAGTCTTCCTTTAACTGAAAATGTA[A>C]GTAACTTGGCAGTACAACTTATTTGAAACTTTAATAACTTGATATTTTAAAGTACCTAGG-3'